The following is an entry in ClinVar:

NM_002160.4(TNC):c.5908A>G (p.Ile1970Val)

Gene: TNC (tenascin C; minus strand). Cytogenetic location: 9q33.1.
Variant type: single nucleotide variant.
Coding change: c.5908A>G on transcript NM_002160.4 (MANE Select); coding-DNA position 5908, A replaced by G.
Protein change: p.Ile1970Val; replaces isoleucine 1970 with valine.
Molecular consequence: missense variant.
Genome position (GRCh38, 1-based): chr9:115,031,565, T>C on the plus strand (A>G on the coding strand, the complement: TNC is on the minus strand). VCF-style: chr9-115031565-T-C. GRCh37 (hg19) VCF-style: chr9-117793844-T-C.
Other names: c.5362A>G, p.Ile1788Val (NM_001410991.1, NM_001439083.1, NM_001439084.1 and 2 more transcripts); c.6457A>G, p.Ile2153Val (NM_001439065.1, NM_001439066.1, NM_001439067.1); c.6184A>G, p.Ile2062Val (NM_001439068.1, NM_001439069.1, NM_001439070.1); c.6181A>G, p.Ile2061Val (NM_001439071.1); c.5911A>G, p.Ile1971Val (NM_001439072.1, NM_001439073.1); c.5908A>G, p.Ile1970Val (NM_001439074.1, NM_001439075.1, NM_001439076.1); c.5635A>G, p.Ile1879Val (NM_001439077.1, NM_001439078.1, NM_001439079.1 and 3 more transcripts); c.5089A>G, p.Ile1697Val (NM_001439087.1, NM_001439088.1); and 5 more; short protein forms I1333V, I1424V, I1515V, I1606V, I1697V, I1788V, I1879V, I1970V.
Identifiers: ClinVar variation 4537016 (VCV004537016.2).
Genomic context (GRCh38, chr9:115,031,565, plus strand): 5'-CAGTCAAAGTTAGATCTCAAGGCTGGATGGCACCCTGGGCCTCCTTACTTGTGGTGAAGA[T>C]GGTCTGGATCATATTGCTCCTCAGGGGCCCATTGAGTGCCTGGATCTTGGCTGTGTAGTG-3'
Protein context (NP_002151.2, residues 1960-1980): GPLRSNMIQT[Ile1970Val]FTTIGLLYPF

ClinVar aggregate classification (germline): Uncertain significance. Review status: criteria provided, multiple submitters, no conflicts (2 of 4 stars). 2 submissions from 2 submitters: Uncertain significance (2). Last evaluated 2025-11-20.

gnomAD v4.1: 8 of 1,576,596 alleles (0.00051%); highest among the groups gnomAD compares: African/African-American, 0.0055%; no homozygotes.

Submissions (2):

Ambry Genetics
Classification: Uncertain significance. Last evaluated: 2025-11-20. Review status: criteria provided, single submitter. Criteria: Ambry Variant Classification Scheme 2023. Collection method: clinical testing. Allele origin: germline.

Women's Health and Genetics/Laboratory Corporation of America, LabCorp
Classification: Uncertain significance. Last evaluated: 2025-11-06. Review status: criteria provided, single submitter. Criteria: LabCorp Variant Classification Summary - May 2015. Collection method: clinical testing. Allele origin: germline.
Comment: Variant summary: TNC c.5908A>G (p.Ile1970Val) results in a conservative amino acid change in the encoded protein sequence. Algorithms developed to predict the effect of missense changes on protein structure and function all suggest that this variant is likely to be tolerated. The variant allele was found at a frequency of 4.4e-06 in 225996 control chromosomes. The available data on variant occurrences in the general population are insufficient to allow any conclusion about variant significance. To our knowledge, no occurrence of c.5908A>G in individuals affected with TNC-related conditions and no experimental evidence demonstrating its impact on protein function have been reported. No submitters have cited clinical-significance assessments for this variant to ClinVar. Based on the evidence outlined above, the variant was classified as uncertain significance.